The following is an entry in ClinVar:

ClinVar aggregate classification (germline): Uncertain significance (1 of 4 stars; one submission).

Submission:

Ambry Genetics
Classification: Uncertain significance. Last evaluated: 2023-03-17. Review status: criteria provided, single submitter. Criteria: Ambry Variant Classification Scheme 2023. Collection method: clinical testing. Allele origin: germline.
Comment: The p.M481I variant (also known as c.1443G>A), located in coding exon 13 of the NPAT gene, results from a G to A substitution at nucleotide position 1443. The methionine at codon 481 is replaced by isoleucine, an amino acid with highly similar properties. This amino acid position is conserved. In addition, this alteration is predicted to be tolerated by in silico analysis. Since supporting evidence is limited at this time, the clinical significance of this alteration remains unclear.

NM_002519.3(NPAT):c.1443G>A (p.Met481Ile)

Gene: NPAT (nuclear protein, coactivator of histone transcription; minus strand). Cytogenetic location: 11q22.3.
Variant type: single nucleotide variant.
Coding change: c.1443G>A on transcript NM_002519.3 (MANE Select); coding-DNA position 1443, G replaced by A.
Protein change: p.Met481Ile; replaces methionine 481 with isoleucine.
Molecular consequence: missense variant.
Genome position (GRCh38, 1-based): chr11:108,173,541, C>T on the plus strand (G>A on the coding strand, the complement: NPAT is on the minus strand). VCF-style: chr11-108173541-C-T. GRCh37 (hg19) VCF-style: chr11-108044268-C-T.
Other names: c.1443G>A, p.Met481Ile (NM_001321307.1); short protein forms M481I.
Identifiers: ClinVar variation 2567949 (VCV002567949.2), dbSNP rs2496721276, ClinGen allele CA382515214.